The following is an entry in ClinVar:

ClinVar aggregate classification (germline): Uncertain significance. Review status: criteria provided, multiple submitters, no conflicts (2 of 4 stars). 2 submissions from 2 submitters: Uncertain significance (2). Last evaluated 2025-10-21.

Conditions:
Hereditary cancer-predisposing syndrome. Also called: Hereditary neoplastic syndrome; Neoplastic Syndromes, Hereditary; Tumor predisposition; Hereditary Cancer Syndrome. Identifiers: Orphanet 140162, MedGen C0027672, MeSH D009386, MONDO:0015356.
EGFR-related lung cancer (EGFR). Identifiers: MedGen CN130014.

Allele frequency attached by ClinVar (database versions not stated): ExAC 0.00001; gnomAD exomes 0.00001; TOPMed 0.00001.
gnomAD v4.1: 6 of 1,613,988 alleles (0.00037%); highest among the groups gnomAD compares: Admixed American, 0.0067%; no homozygotes.

Submissions (2):

Labcorp Genetics (formerly Invitae), Labcorp
Classification: Uncertain significance for EGFR-related lung cancer. Last evaluated: 2025-10-21. Review status: criteria provided, single submitter. Criteria: Invitae Variant Classification Sherloc (09022015). Collection method: clinical testing. Allele origin: germline.
Comment: This sequence change replaces arginine, which is basic and polar, with glycine, which is neutral and non-polar, at codon 973 of the EGFR protein (p.Arg973Gly). This variant is present in population databases (rs748491031, gnomAD 0.006%). This variant has not been reported in the literature in individuals affected with EGFR-related conditions. ClinVar contains an entry for this variant (Variation ID: 1003262). Invitae Evidence Modeling of protein sequence and biophysical properties (such as structural, functional, and spatial information, amino acid conservation, physicochemical variation, residue mobility, and thermodynamic stability) indicates that this missense variant is expected to disrupt EGFR protein function with a positive predictive value of 80%. In summary, the available evidence is currently insufficient to determine the role of this variant in disease. Therefore, it has been classified as a Variant of Uncertain Significance.

Ambry Genetics
Classification: Uncertain significance for Hereditary cancer-predisposing syndrome. Last evaluated: 2025-01-30. Review status: criteria provided, single submitter. Criteria: Ambry Variant Classification Scheme 2023. Collection method: clinical testing. Allele origin: germline.
Comment: The p.R973G variant (also known as c.2917C>G), located in coding exon 24 of the EGFR gene, results from a C to G substitution at nucleotide position 2917. The arginine at codon 973 is replaced by glycine, an amino acid with dissimilar properties. This amino acid position is highly conserved in available vertebrate species. In addition, the in silico prediction for this alteration is inconclusive. Based on the available evidence, the clinical significance of this variant remains unclear.

NM_005228.5(EGFR):c.2917C>G (p.Arg973Gly)

Gene: EGFR (epidermal growth factor receptor; plus strand). Cytogenetic location: 7p11.2.
Variant type: single nucleotide variant.
Coding change: c.2917C>G on transcript NM_005228.5 (MANE Select); coding-DNA position 2917, C replaced by G.
Protein change: p.Arg973Gly; replaces arginine 973 with glycine.
Molecular consequence: missense variant.
Genome position (GRCh38, 1-based): chr7:55,200,384, C>G. VCF-style: chr7-55200384-C-G. GRCh37 (hg19) VCF-style: chr7-55268077-C-G.
Other names: c.2917C>G (NM_005228.3); c.2782C>G, p.Arg928Gly (NM_001346897.2, NM_001346899.2); c.2917C>G, p.Arg973Gly (NM_001346898.2); c.2758C>G, p.Arg920Gly (NM_001346900.2); c.2116C>G, p.Arg706Gly (NM_001346941.2); short protein forms R706G, R920G, R928G, R973G.
Identifiers: ClinVar variation 1003262 (VCV001003262.9), dbSNP rs748491031, ClinGen allele CA4266205.